The following is an entry in ClinVar:

NM_025137.4(SPG11):c.2392A>G (p.Lys798Glu)

Gene: SPG11 (SPG11 vesicle trafficking associated, spatacsin; minus strand). Cytogenetic location: 15q21.1.
Variant type: single nucleotide variant.
Coding change: c.2392A>G on transcript NM_025137.4 (MANE Select); coding-DNA position 2392, A replaced by G.
Protein change: p.Lys798Glu; replaces lysine 798 with glutamic acid.
Molecular consequence: missense variant.
Genome position (GRCh38, 1-based): chr15:44,622,272, T>C on the plus strand (A>G on the coding strand, the complement: SPG11 is on the minus strand). VCF-style: chr15-44622272-T-C. GRCh37 (hg19) VCF-style: chr15-44914470-T-C.
Other names: c.2392A>G, p.Lys798Glu (NM_001160227.2, NM_001411132.1); short protein forms K798E.
Identifiers: ClinVar variation 1790573 (VCV001790573.2), dbSNP rs2505557961, ClinGen allele CA392231935.

ClinVar aggregate classification (germline): Uncertain significance (1 of 4 stars; one submission).

Conditions:
Inborn genetic diseases. Identifiers: MedGen C0950123, MeSH D030342.

Allele frequency attached by ClinVar (database versions not stated): gnomAD exomes below 0.00001.
gnomAD v4.1: 2 of 1,610,026 alleles (0.00012%); highest among the groups gnomAD compares: Non-Finnish European, 0.00017%; no homozygotes.

Submission:

Ambry Genetics
Classification: Uncertain significance for Inborn genetic diseases. Last evaluated: 2020-09-28. Review status: criteria provided, single submitter. Criteria: Ambry Variant Classification Scheme 2023. Collection method: clinical testing. Allele origin: germline.
Comment: The p.K798E variant (also known as c.2392A>G), located in coding exon 13 of the SPG11 gene, results from an A to G substitution at nucleotide position 2392. The lysine at codon 798 is replaced by glutamic acid, an amino acid with similar properties. This amino acid position is not well conserved in available vertebrate species. In addition, this alteration is predicted to be tolerated by in silico analysis. Since supporting evidence is limited at this time, the clinical significance of this alteration remains unclear.